The following is an entry in ClinVar:

ClinVar aggregate classification (germline): Likely benign. Review status: criteria provided, multiple submitters, no conflicts (2 of 4 stars). 2 submissions from 2 submitters: Likely benign (2). Last evaluated 2026-09-01.

Allele frequency attached by ClinVar (database versions not stated): gnomAD exomes 0.00002 and 0.00005; ExAC 0.00004; gnomAD 0.00004; TOPMed 0.00004.
gnomAD v4.1: 33 of 1,614,018 alleles (0.002%); highest among the groups gnomAD compares: East Asian, 0.033%; no homozygotes.

Submissions (2):

CeGaT Center for Human Genetics Tuebingen
Classification: Likely benign. Last evaluated: 2026-09-01. Review status: criteria provided, single submitter. Criteria: CeGaT Center For Human Genetics Tuebingen Variant Classification Criteria Version 2. Collection method: clinical testing. Allele origin: germline. Affected: yes. Observed: 1 variant allele.
Comment: LETM1: BP4, BP7

Labcorp Genetics (formerly Invitae), Labcorp
Classification: Likely benign. Last evaluated: 2025-02-24. Review status: criteria provided, single submitter. Criteria: Invitae Variant Classification Sherloc (09022015). Collection method: clinical testing. Allele origin: germline.

NM_012318.3(LETM1):c.2139A>G (p.Thr713=)

Gene: LETM1 (leucine zipper and EF-hand containing transmembrane protein 1; minus strand). Cytogenetic location: 4p16.3.
Variant type: single nucleotide variant.
Coding change: c.2139A>G on transcript NM_012318.3 (MANE Select); coding-DNA position 2139, A replaced by G.
Protein change: p.Thr713=; no amino-acid change (threonine 713 retained).
Molecular consequence: synonymous variant.
Genome position (GRCh38, 1-based): chr4:1,814,505, T>C on the plus strand (A>G on the coding strand, the complement: LETM1 is on the minus strand). VCF-style: chr4-1814505-T-C. GRCh37 (hg19) VCF-style: chr4-1816232-T-C.
Identifiers: ClinVar variation 759664 (VCV000759664.8), dbSNP rs755445723, ClinGen allele CA2811032.